The following is an entry in ClinVar:

ClinVar aggregate classification (germline): Uncertain significance (1 of 4 stars; one submission).

Conditions:
Dyskeratosis congenita, autosomal dominant 2. Identifiers: MedGen C3151443, MONDO:0013521, OMIM 613989.
Idiopathic Pulmonary Fibrosis. Also called: Idiopathic fibrosing alveolitis, chronic form; idiopathic fibrosing alveolitis. Identifiers: Orphanet 2032, MedGen C1800706, MeSH D054990, MONDO:0800504.

gnomAD v4.1: 2 of 1,550,840 alleles (0.00013%); highest among the groups gnomAD compares: South Asian, 0.0012%; no homozygotes.

Submission:

Labcorp Genetics (formerly Invitae), Labcorp
Classification: Uncertain significance for Dyskeratosis congenita, autosomal dominant 2; Idiopathic Pulmonary Fibrosis. Last evaluated: 2022-09-04. Review status: criteria provided, single submitter. Criteria: Invitae Variant Classification Sherloc (09022015). Collection method: clinical testing. Allele origin: germline.
Comment: This sequence change replaces serine, which is neutral and polar, with glycine, which is neutral and non-polar, at codon 663 of the TERT protein (p.Ser663Gly). This variant is not present in population databases (gnomAD no frequency). This variant has not been reported in the literature in individuals affected with TERT-related conditions. In summary, the available evidence is currently insufficient to determine the role of this variant in disease. Therefore, it has been classified as a Variant of Uncertain Significance. Algorithms developed to predict the effect of missense changes on protein structure and function output the following: SIFT: "Tolerated"; PolyPhen-2: "Benign"; Align-GVGD: "Class C0". The glycine amino acid residue is found in multiple mammalian species, which suggests that this missense change does not adversely affect protein function. ClinVar contains an entry for this variant (Variation ID: 1011203).

NM_198253.3(TERT):c.1987A>G (p.Ser663Gly)

Gene: TERT (telomerase reverse transcriptase; minus strand). Cytogenetic location: 5p15.33.
Variant type: single nucleotide variant.
Coding change: c.1987A>G on transcript NM_198253.3 (MANE Select); coding-DNA position 1987, A replaced by G.
Protein change: p.Ser663Gly; replaces serine 663 with glycine.
Molecular consequence: missense variant. On other transcripts: non-coding transcript variant (2).
Genome position (GRCh38, 1-based): chr5:1,279,434, T>C on the plus strand (A>G on the coding strand, the complement: TERT is on the minus strand). VCF-style: chr5-1279434-T-C. GRCh37 (hg19) VCF-style: chr5-1279549-T-C.
Other names: c.1987A>G, p.Ser663Gly (NM_001193376.3); short protein forms S663G.
Identifiers: ClinVar variation 1011203 (VCV001011203.9), dbSNP rs1749860434, ClinGen allele CA359080779.